The following is an entry in ClinVar:

NM_152713.5(STT3A):c.-36+817C>G

Gene: STT3A (STT3 oligosaccharyltransferase complex catalytic subunit A; plus strand). Cytogenetic location: 11q24.2.
Variant type: single nucleotide variant.
Coding change: c.-36+817C>G on transcript NM_152713.5 (MANE Select); 817 bases into the intron after 36 bases upstream of the start codon, C replaced by G.
Molecular consequence: intron variant.
Genome position (GRCh38, 1-based): chr11:125,593,735, C>G. VCF-style: chr11-125593735-C-G. GRCh37 (hg19) VCF-style: chr11-125463630-C-G.
Other names: c.-36+10C>G (NM_001278503.2); c.-189+817C>G (NM_001278504.2).
Identifiers: ClinVar variation 390889 (VCV000390889.1), dbSNP rs1057523914, ClinGen allele CA16605871.

ClinVar aggregate classification (germline): Likely benign (1 of 4 stars; one submission).

Allele frequency attached by ClinVar (database versions not stated): TOPMed 0.00001.

Submission:

GeneDx
Classification: Likely benign. Last evaluated: 2016-11-16. Review status: criteria provided, single submitter. Criteria: GeneDx Variant Classification (06012015). Collection method: clinical testing. Allele origin: germline. Affected: yes.
Comment: This variant is considered likely benign or benign based on one or more of the following criteria: it is a conservative change, it occurs at a poorly conserved position in the protein, it is predicted to be benign by multiple in silico algorithms, and/or has population frequency not consistent with disease.